The following is an entry in ClinVar:

ClinVar aggregate classification (germline): Uncertain significance. Review status: criteria provided, multiple submitters, no conflicts (2 of 4 stars). 2 submissions from 2 submitters: Uncertain significance (2). Last evaluated 2025-10-27.

Allele frequency attached by ClinVar (database versions not stated): gnomAD 0.00001; TOPMed 0.00001; gnomAD exomes 0.00001.
gnomAD v4.1: 9 of 1,551,550 alleles (0.00058%); highest among the groups gnomAD compares: African/African-American, 0.0014%; no homozygotes.

Submissions (2):

Ambry Genetics
Classification: Uncertain significance. Last evaluated: 2025-10-27. Review status: criteria provided, single submitter. Criteria: Ambry Variant Classification Scheme 2023. Collection method: clinical testing. Allele origin: germline.

Labcorp Genetics (formerly Invitae), Labcorp
Classification: Uncertain significance. Last evaluated: 2022-05-30. Review status: criteria provided, single submitter. Criteria: Invitae Variant Classification Sherloc (09022015). Collection method: clinical testing. Allele origin: germline.
Comment: This sequence change replaces glycine, which is neutral and non-polar, with glutamic acid, which is acidic and polar, at codon 65 of the KPNA7 protein (p.Gly65Glu). This variant is present in population databases (no rsID available, gnomAD 0.002%). This variant has not been reported in the literature in individuals affected with KPNA7-related conditions. Algorithms developed to predict the effect of missense changes on protein structure and function output the following: SIFT: "Tolerated"; PolyPhen-2: "Benign"; Align-GVGD: "Class C0". The glutamic acid amino acid residue is found in multiple mammalian species, which suggests that this missense change does not adversely affect protein function. Algorithms developed to predict the effect of sequence changes on RNA splicing suggest that this variant may create or strengthen a splice site. In summary, the available evidence is currently insufficient to determine the role of this variant in disease. Therefore, it has been classified as a Variant of Uncertain Significance.

NM_001145715.3(KPNA7):c.194G>A (p.Gly65Glu)

Gene: KPNA7 (karyopherin subunit alpha 7; minus strand). Cytogenetic location: 7q22.1.
Variant type: single nucleotide variant.
Coding change: c.194G>A on transcript NM_001145715.3 (MANE Select); coding-DNA position 194, G replaced by A.
Protein change: p.Gly65Glu; replaces glycine 65 with glutamic acid.
Molecular consequence: missense variant.
Genome position (GRCh38, 1-based): chr7:99,203,113, C>T on the plus strand (G>A on the coding strand, the complement: KPNA7 is on the minus strand). VCF-style: chr7-99203113-C-T. GRCh37 (hg19) VCF-style: chr7-98800736-C-T.
Other names: c.194G>A (NM_001145715.1); short protein forms G65E.
Identifiers: ClinVar variation 2203009 (VCV002203009.2), dbSNP rs979984416, ClinGen allele CA163747571.